The following is an entry in ClinVar:

ClinVar aggregate classification (germline): Uncertain significance (1 of 4 stars; one submission).

Conditions:
Early-onset Lafora body disease. Also called: Epilepsy, progressive myoclonic, 10. Identifiers: Orphanet 324290, MedGen C4225258, MONDO:0014717, OMIM 616640.

Allele frequency attached by ClinVar (database versions not stated): gnomAD exomes below 0.00001; gnomAD 0.00002; TOPMed 0.00002.
gnomAD v4.1: 5 of 1,605,366 alleles (0.00031%); highest among the groups gnomAD compares: African/African-American, 0.0055%; no homozygotes.

Submission:

Labcorp Genetics (formerly Invitae), Labcorp
Classification: Uncertain significance for Early-onset Lafora body disease. Last evaluated: 2022-07-13. Review status: criteria provided, single submitter. Criteria: Invitae Variant Classification Sherloc (09022015). Collection method: clinical testing. Allele origin: germline.
Comment: In summary, the available evidence is currently insufficient to determine the role of this variant in disease. Therefore, it has been classified as a Variant of Uncertain Significance. Algorithms developed to predict the effect of missense changes on protein structure and function (SIFT, PolyPhen-2, Align-GVGD) all suggest that this variant is likely to be tolerated. This variant has not been reported in the literature in individuals affected with PRDM8-related conditions. This variant is not present in population databases (gnomAD no frequency). This sequence change replaces glutamine, which is neutral and polar, with lysine, which is basic and polar, at codon 217 of the PRDM8 protein (p.Gln217Lys).

NM_001099403.2(PRDM8):c.649C>A (p.Gln217Lys)

Gene: PRDM8 (PR/SET domain 8; plus strand). Cytogenetic location: 4q21.21.
Variant type: single nucleotide variant.
Coding change: c.649C>A on transcript NM_001099403.2 (MANE Select); coding-DNA position 649, C replaced by A.
Protein change: p.Gln217Lys; replaces glutamine 217 with lysine.
Molecular consequence: missense variant.
Genome position (GRCh38, 1-based): chr4:80,202,111, C>A. VCF-style: chr4-80202111-C-A. GRCh37 (hg19) VCF-style: chr4-81123265-C-A.
Other names: c.649C>A, p.Gln217Lys (NM_020226.4); short protein forms Q217K.
Identifiers: ClinVar variation 1960678 (VCV001960678.4), dbSNP rs924492913, ClinGen allele CA100000085.
Genomic context (GRCh38, chr4:80,202,111, plus strand): 5'-GTGGGCACCAAGGACCACGGGGGCGGCGGCGGCGGTGGCAAAGACCAGCAGCAGCAGCAG[C>A]AGGAGGCACCTTTAGGCCCGGGTCCCAAGTTTTGCAAAGCCGGCCCCCTCCACCACTACC-3'
Protein context (NP_001092873.1, residues 207-227): GGGKDQQQQQ[Gln217Lys]EAPLGPGPKF